The following is an entry in ClinVar:

ClinVar aggregate classification (germline): Uncertain significance (1 of 4 stars; one submission).

Conditions:
Inborn genetic diseases. Identifiers: MedGen C0950123, MeSH D030342.

Allele frequency attached by ClinVar (database versions not stated): gnomAD exomes below 0.00001.
gnomAD v4.1: 2 of 1,608,866 alleles (0.00012%); highest among the groups gnomAD compares: East Asian, 0.0022%; no homozygotes.

Submission:

Ambry Genetics
Classification: Uncertain significance for Inborn genetic diseases. Last evaluated: 2021-09-02. Review status: criteria provided, single submitter. Criteria: Ambry Variant Classification Scheme 2023. Collection method: clinical testing. Allele origin: germline.
Comment: The p.D68N variant (also known as c.202G>A), located in coding exon 1 of the SCN11A gene, results from a G to A substitution at nucleotide position 202. The aspartic acid at codon 68 is replaced by asparagine, an amino acid with highly similar properties. This amino acid position is well conserved in available vertebrate species; however, asparagine is the reference amino acid in other vertebrate species. In addition, this alteration is predicted to be tolerated by in silico analysis. Since supporting evidence is limited at this time, the clinical significance of this alteration remains unclear.

NM_001349253.2(SCN11A):c.202G>A (p.Asp68Asn)

Gene: SCN11A (sodium voltage-gated channel alpha subunit 11; minus strand). Cytogenetic location: 3p22.2.
Variant type: single nucleotide variant.
Coding change: c.202G>A on transcript NM_001349253.2 (MANE Select); coding-DNA position 202, G replaced by A.
Protein change: p.Asp68Asn; replaces aspartic acid 68 with asparagine.
Molecular consequence: missense variant.
Genome position (GRCh38, 1-based): chr3:38,950,161, C>T on the plus strand (G>A on the coding strand, the complement: SCN11A is on the minus strand). VCF-style: chr3-38950161-C-T. GRCh37 (hg19) VCF-style: chr3-38991652-C-T.
Other names: c.202G>A, p.Asp68Asn (NM_014139.3); short protein forms D68N.
Identifiers: ClinVar variation 1784740 (VCV001784740.2), dbSNP rs1402458245, ClinGen allele CA352176591.